The following is an entry in ClinVar:

NM_001029883.3(PCARE):c.2348T>C (p.Ile783Thr)

Gene: PCARE (photoreceptor cilium actin regulator; minus strand). Cytogenetic location: 2p23.2.
Variant type: single nucleotide variant.
Coding change: c.2348T>C on transcript NM_001029883.3 (MANE Select); coding-DNA position 2348, T replaced by C.
Protein change: p.Ile783Thr; replaces isoleucine 783 with threonine.
Molecular consequence: missense variant.
Genome position (GRCh38, 1-based): chr2:29,071,914, A>G on the plus strand (T>C on the coding strand, the complement: PCARE is on the minus strand). VCF-style: chr2-29071914-A-G. GRCh37 (hg19) VCF-style: chr2-29294780-A-G.
Other names: short protein forms I783T.
Identifiers: ClinVar variation 193137 (VCV000193137.18), dbSNP rs141559332, ClinGen allele CA200347.

ClinVar aggregate classification (germline): Likely benign. Review status: criteria provided, multiple submitters, no conflicts (2 of 4 stars). 5 submissions from 5 submitters: Likely benign (4). 1 of the submissions does not count toward it. Last evaluated 2026-02-01.

Conditions:
PCARE-related disorder. Also called: PCARE-related condition.

Allele frequency attached by ClinVar (database versions not stated): gnomAD exomes 0.00019 and 0.00051; ExAC 0.00058; 1000 Genomes Project 30x 0.00172; 1000 Genomes Project 0.00180; gnomAD 0.00197 and 0.00213; ESP Exome Variant Server 0.00199; TOPMed 0.00216.

Submissions (5):

Labcorp Genetics (formerly Invitae), Labcorp
Classification: Likely benign. Last evaluated: 2026-02-01. Review status: criteria provided, single submitter. Criteria: Invitae Variant Classification Sherloc (09022015). Collection method: clinical testing. Allele origin: germline.

Blueprint Genetics
Classification: Likely benign. Last evaluated: 2024-08-30. Review status: criteria provided, single submitter. Criteria: ACMG Guidelines, 2015. Collection method: clinical testing. Allele origin: germline.

Eurofins Ntd Llc (ga)
Classification: Likely benign. Last evaluated: 2014-08-25. Review status: criteria provided, single submitter. Criteria: EGL Classification Definitions 2015. Collection method: clinical testing. Allele origin: germline. Observed: 1 variant allele, 1 heterozygote.

Breakthrough Genomics
Classification: Likely benign. Review status: criteria provided, single submitter. Criteria: ACMG Guidelines, 2015. Collection method: not provided. Allele origin: germline. Inheritance: Unknown mechanism. Affected: yes.

PreventionGenetics, part of Exact Sciences
Classification: Likely benign for PCARE-related condition. Last evaluated: 2020-12-21. Review status: no assertion criteria provided. Collection method: clinical testing. Allele origin: germline. Not counted in ClinVar's aggregate classification.
Comment: This variant is classified as likely benign based on ACMG/AMP sequence variant interpretation guidelines (Richards et al. 2015 PMID: 25741868, with internal and published modifications).